The following is an entry in ClinVar:

NM_001267550.2(TTN):c.39798A>C (p.Pro13266=)

Gene: TTN (titin; minus strand). Cytogenetic location: 2q31.2.
Variant type: single nucleotide variant.
Coding change: c.39798A>C on transcript NM_001267550.2 (MANE Select); coding-DNA position 39798, A replaced by C.
Protein change: p.Pro13266=; no amino-acid change (proline 13266 retained).
Molecular consequence: synonymous variant. On other transcripts: intron variant (3).
Genome position (GRCh38, 1-based): chr2:178,650,183, T>G on the plus strand (A>C on the coding strand, the complement: TTN is on the minus strand). VCF-style: chr2-178650183-T-G. GRCh37 (hg19) VCF-style: chr2-179514910-T-G.
Other names: c.35277A>C, p.Pro11759= (NM_001256850.1); c.32496A>C, p.Pro10832= (NM_133378.4); c.13283-7866A>C (NM_003319.4); c.13859-7866A>C (NM_133437.4); c.13658-7866A>C (NM_133432.3).
Identifiers: ClinVar variation 4534305 (VCV004534305.6).

ClinVar aggregate classification (germline): Likely benign (1 of 4 stars; one submission).

Submission:

CeGaT Center for Human Genetics Tuebingen
Classification: Likely benign. Last evaluated: 2025-10-01. Review status: criteria provided, single submitter. Criteria: CeGaT Center For Human Genetics Tuebingen Variant Classification Criteria Version 2. Collection method: clinical testing. Allele origin: germline. Affected: yes. Observed: 1 variant allele.
Comment: TTN: PM2:Supporting, BP4, BP7